The following is an entry in ClinVar:

ClinVar aggregate classification (germline): Pathogenic (1 of 4 stars; one submission).

Conditions:
Early-infantile DEE. Also called: Early infantile epileptic encephalopathy; Early infantile epileptic encephalopathy with suppression bursts; Ohtahara syndrome. Identifiers: Orphanet 1934, MedGen C0393706, MONDO:0800491.

Submission:

Labcorp Genetics (formerly Invitae), Labcorp
Classification: Pathogenic for Early-infantile DEE. Last evaluated: 2022-03-18. Review status: criteria provided, single submitter. Criteria: Invitae Variant Classification Sherloc (09022015). Collection method: clinical testing. Allele origin: germline.
Comment: This sequence change creates a premature translational stop signal (p.Val884Profs*3) in the CACNA2D2 gene. It is expected to result in an absent or disrupted protein product. Loss-of-function variants in CACNA2D2 are known to be pathogenic (PMID: 24358150). This variant is not present in population databases (gnomAD no frequency). This variant has not been reported in the literature in individuals affected with CACNA2D2-related conditions. For these reasons, this variant has been classified as Pathogenic.

Literature cited by the submitters: PubMed 24358150.

NM_006030.4(CACNA2D2):c.2646_2647del (p.Val884fs)

Genes: CACNA2D2 (calcium voltage-gated channel auxiliary subunit alpha2delta 2; minus strand), LOC101928965 (uncharacterized LOC101928965; plus strand), LOC127898564 (CYB561D2-LOC101928965; plus strand). Cytogenetic location: 3p21.31.
Variant type: Microsatellite.
Coding change: c.2646_2647del on transcript NM_006030.4 (MANE Select); coding-DNA positions 2646 to 2647, 2 bases deleted (CT; older notation c.2646_2647delCT).
Protein change: p.Val884fs; shifts the reading frame from valine 884.
Molecular consequence: frameshift variant.
Genome position (GRCh38, 1-based): chr3:50,366,329-50,366,330, AG deleted on the plus strand (CT on the coding strand, the reverse complement: CACNA2D2 is on the minus strand); deleting any 2 consecutive bases within chr3:50,366,329-50,366,332 gives the same sequence; the c. name uses the placement nearest the transcript's 3' end. VCF-style (leftmost placement, unchanged base first): chr3-50366328-CAG-C. GRCh37 (hg19) VCF-style: chr3-50403759-CAG-C.
Other names: c.2646_2647del, p.Val884fs (NM_001005505.3); c.2667_2668del, p.Val891fs (NM_001174051.3); c.2439_2440del, p.Val815fs (NM_001291101.1); c.2647_2648CT[1], p.Val885Profs (NM_001410768.1); short protein forms V884fs, V815fs, V891fs.
Identifiers: ClinVar variation 2106110 (VCV002106110.4), dbSNP rs2470981548, ClinGen allele CA2580616466.